The following is an entry in ClinVar:

NC_000011.10:g.(?_108222832)_(108369099_?)del

Genes: ATM (ATM serine/threonine kinase; plus strand), C11orf65 (chromosome 11 open reading frame 65; minus strand), LOC128772356 (melanoma risk locus-associated MPRA allelic enhancer 11:108140516; plus strand), LOC129390352 (MPRA-validated peak1449 silencer; plus strand), LOC129390353 (MPRA-validated peak1450 silencer; plus strand) and 5 more. Cytogenetic location: 11q22.3.
Variant type: Deletion.
Identifiers: ClinVar variation 417409 (VCV000417409.1).

ClinVar aggregate classification (germline): Pathogenic (1 of 4 stars; one submission).

Conditions:
Ataxia-telangiectasia syndrome (AT). Also called: Ataxia-telangiectasia; Cerebello-oculocutaneous telangiectasia; Immunodeficiency with ataxia telangiectasia; ATAXIA-TELANGIECTASIA, COMPLEMENTATION GROUP A; ATAXIA-TELANGIECTASIA, FRESNO VARIANT; Ataxia-telangiectasia, complementation group D. Identifiers: Orphanet 100, MedGen C0004135, MONDO:0008840, OMIM 208900.

Submission:

Labcorp Genetics (formerly Invitae), Labcorp
Classification: Pathogenic for Ataxia-telangiectasia syndrome. Last evaluated: 2016-05-05. Review status: criteria provided, single submitter. Criteria: Invitae Variant Classification Sherloc (09022015). Collection method: clinical testing. Allele origin: germline.
Comment: A gross deletion of the genomic region encompassing the full coding sequence of the ATM gene has been identified. The boundaries of this event are unknown as the deletion extends beyond the assayed region for this gene and therefore may encompass additional genes. Gross-deletions in ATM are known to be pathogenic. Deletions involving ATM have been reported in individuals affected with ataxia telangiectasia (PMID: 7792600). For these reasons, this variant has been classified as Pathogenic.